The following is an entry in ClinVar:

NM_005422.4(TECTA):c.474C>A (p.Ser158Arg)

Genes: TBCEL-TECTA (TBCEL-TECTA readthrough; plus strand), TECTA (tectorin alpha; plus strand). Cytogenetic location: 11q23.3.
Variant type: single nucleotide variant.
Coding change: c.474C>A on transcript NM_005422.4 (MANE Select); coding-DNA position 474, C replaced by A.
Protein change: p.Ser158Arg; replaces serine 158 with arginine.
Molecular consequence: missense variant.
Genome position (GRCh38, 1-based): chr11:121,109,486, C>A. VCF-style: chr11-121109486-C-A. GRCh37 (hg19) VCF-style: chr11-120980195-C-A.
Other names: c.1431C>A, p.Ser477Arg (NM_001378761.1); short protein forms S158R, S477R.
Identifiers: ClinVar variation 3360471 (VCV003360471.1).
Genomic context (GRCh38, chr11:121,109,486, plus strand): 5'-CTTCTCTGCCACTTGGGTTTTCATTGTGACATGGGAGGAAGTCACGTTTTATGGAGGCAG[C>A]AGCACCACACCTGTAATAATTCAAATTTTCTGCTTTCCACTTCATAACCTGACATCTAAT-3'
Protein context (NP_005413.2, residues 148-168): TWEEVTFYGG[Ser158Arg]STTPVNTFQA

ClinVar aggregate classification (germline): Uncertain significance (1 of 4 stars; one submission).

Submission:

GeneDx
Classification: Uncertain significance. Last evaluated: 2024-04-03. Review status: criteria provided, single submitter. Criteria: GeneDx Variant Classification Process June 2021. Collection method: clinical testing. Allele origin: germline. Affected: yes.
Comment: Not observed at significant frequency in large population cohorts (gnomAD); In silico analysis supports that this missense variant does not alter protein structure/function; Has not been previously published as pathogenic or benign to our knowledge; This variant is associated with the following publications: (PMID: 31554319, 9590290, 21520338)